The following is an entry in ClinVar:

ClinVar aggregate classification (germline): Uncertain significance (1 of 4 stars; one submission).

Conditions:
Joubert syndrome 20 (JBTS20). Identifiers: Orphanet 475, MedGen C3554235, MONDO:0013994, OMIM 614970.

gnomAD v4.1: 2 of 1,584,300 alleles (0.00013%); highest among the groups gnomAD compares: Non-Finnish European, 0.000086%; no homozygotes.

Submission:

Baylor Genetics
Classification: Uncertain significance for Joubert syndrome 20. Last evaluated: 2019-09-19. Review status: criteria provided, single submitter. Criteria: ACMG Guidelines, 2015. Collection method: clinical testing. Allele origin: unknown. Affected: yes.
Comment: This variant was determined to be of uncertain significance according to ACMG Guidelines, 2015 [PMID:25741868].

NM_001077418.3(TMEM231):c.140-33C>G

Genes: TMEM231 (transmembrane protein 231; minus strand), LOC130059440 (ATAC-STARR-seq lymphoblastoid silent region 7724; plus strand). Cytogenetic location: 16q23.1.
Variant type: single nucleotide variant.
Coding change: c.140-33C>G on transcript NM_001077418.3 (MANE Select); 33 bases into the intron before coding-DNA position 140, C replaced by G.
Molecular consequence: intron variant. On other transcripts: missense variant (1).
Genome position (GRCh38, 1-based): chr16:75,556,006, G>C on the plus strand (C>G on the coding strand, the complement: TMEM231 is on the minus strand). VCF-style: chr16-75556006-G-C. GRCh37 (hg19) VCF-style: chr16-75589904-G-C.
Other names: c.266C>G, p.Pro89Arg (NM_001077416.2); short protein forms P89R.
Identifiers: ClinVar variation 1028504 (VCV001028504.1), dbSNP rs901311435, ClinGen allele CA396809723.